The following is an entry in ClinVar:

NM_000093.5(COL5A1):c.92C>A (p.Pro31Gln)

Gene: COL5A1 (collagen type V alpha 1 chain; plus strand). Cytogenetic location: 9q34.3.
Variant type: single nucleotide variant.
Coding change: c.92C>A on transcript NM_000093.5 (MANE Select); coding-DNA position 92, C replaced by A.
Protein change: p.Pro31Gln; replaces proline 31 with glutamine.
Molecular consequence: missense variant.
Genome position (GRCh38, 1-based): chr9:134,642,279, C>A. VCF-style: chr9-134642279-C-A. GRCh37 (hg19) VCF-style: chr9-137534125-C-A.
Other names: c.92C>A (NM_000093.3); c.92C>A, p.Pro31Gln (NM_001278074.1); short protein forms P31Q.
Identifiers: ClinVar variation 654160 (VCV000654160.8), dbSNP rs1410664123, ClinGen allele CA375444044.

ClinVar aggregate classification (germline): Uncertain significance. Review status: criteria provided, multiple submitters, no conflicts (2 of 4 stars). 2 submissions from 2 submitters: Uncertain significance (2). Last evaluated 2024-05-13.

Conditions:
Ehlers-Danlos syndrome, classic type, 1 (EDSCL1). Also called: EDS I; EHLERS-DANLOS SYNDROME, GRAVIS TYPE; EHLERS-DANLOS SYNDROME, SEVERE CLASSIC TYPE; Ehlers-Danlos Syndrome, Classic Type, COL5A1-Related; Ehlers-Danlos syndrome, type 1. Identifiers: MedGen C0268335, MONDO:0019567, OMIM 130000.

Submissions (2):

GeneDx
Classification: Uncertain significance. Last evaluated: 2024-05-13. Review status: criteria provided, single submitter. Criteria: GeneDx Variant Classification Process June 2021. Collection method: clinical testing. Allele origin: germline. Affected: yes.
Comment: Not observed at significant frequency in large population cohorts (gnomAD); In silico analysis indicates that this missense variant does not alter protein structure/function; Has not been previously published as pathogenic or benign to our knowledge; Not located in the triple helical region, where the majority of pathogenic missense variants occur (PMID: 22696272; HGMD); This variant is associated with the following publications: (PMID: 22696272)

Labcorp Genetics (formerly Invitae), Labcorp
Classification: Uncertain significance for Ehlers-Danlos syndrome, classic type, 1. Last evaluated: 2021-09-01. Review status: criteria provided, single submitter. Criteria: Invitae Variant Classification Sherloc (09022015). Collection method: clinical testing. Allele origin: germline.
Comment: This sequence change replaces proline with glutamine at codon 31 of the COL5A1 protein (p.Pro31Gln). The proline residue is weakly conserved and there is a moderate physicochemical difference between proline and glutamine. The frequency data for this variant in the population databases is considered unreliable, as metrics indicate insufficient coverage at this position in the ExAC database. This variant has not been reported in the literature in individuals affected with COL5A1-related conditions. Algorithms developed to predict the effect of missense changes on protein structure and function are either unavailable or do not agree on the potential impact of this missense change (SIFT: "Tolerated"; PolyPhen-2: "Possibly Damaging"; Align-GVGD: "Class C0"). Algorithms developed to predict the effect of sequence changes on RNA splicing suggest that this variant may create or strengthen a splice site. In summary, the available evidence is currently insufficient to determine the role of this variant in disease. Therefore, it has been classified as a Variant of Uncertain Significance.